The following is an entry in ClinVar:

ClinVar aggregate classification (germline): Benign/Likely benign. Review status: criteria provided, multiple submitters, no conflicts (2 of 4 stars). 7 submissions from 7 submitters: Benign (3); Likely benign (2). 2 of the submissions do not count toward it. Last evaluated 2026-09-01.

Conditions:
CSPP1-related disorder. Also called: CSPP1-related condition.
Joubert syndrome 21 (JBTS21). Identifiers: MedGen C3810212, MONDO:0014288, OMIM 615636.

Allele frequency attached by ClinVar (database versions not stated): 1000 Genomes Project 0.00100; 1000 Genomes Project 30x 0.00172; TOPMed 0.00465; gnomAD 0.00466 and 0.00481; gnomAD exomes 0.00466; ExAC 0.00492; ESP Exome Variant Server 0.00573.
gnomAD v4.1: 11,182 of 1,613,876 alleles (0.69%); highest among the groups gnomAD compares: Non-Finnish European, 0.85%; 46 homozygotes.

Submissions (7):

CeGaT Center for Human Genetics Tuebingen
Classification: Likely benign. Last evaluated: 2026-09-01. Review status: criteria provided, single submitter. Criteria: CeGaT Center For Human Genetics Tuebingen Variant Classification Criteria Version 2. Collection method: clinical testing. Allele origin: germline. Affected: yes. Observed: 35 variant alleles.
Comment: CSPP1: BP4, BP7, BS2

Labcorp Genetics (formerly Invitae), Labcorp
Classification: Benign for Joubert syndrome 21. Last evaluated: 2026-02-03. Review status: criteria provided, single submitter. Criteria: Invitae Variant Classification Sherloc (09022015). Collection method: clinical testing. Allele origin: germline.

Blueprint Genetics
Classification: Likely benign. Last evaluated: 2024-11-25. Review status: criteria provided, single submitter. Criteria: ACMG Guidelines, 2015. Collection method: clinical testing. Allele origin: germline.

GeneDx
Classification: Benign. Last evaluated: 2018-01-08. Review status: criteria provided, single submitter. Criteria: GeneDx Variant Classification (06012015). Collection method: clinical testing. Allele origin: germline. Affected: yes.
Comment: This variant is considered likely benign or benign based on one or more of the following criteria: it is a conservative change, it occurs at a poorly conserved position in the protein, it is predicted to be benign by multiple in silico algorithms, and/or has population frequency not consistent with disease.

Laboratory for Molecular Medicine, Mass General Brigham Personalized Medicine
Classification: Benign. Last evaluated: 2016-03-29. Review status: criteria provided, single submitter. Criteria: LMM Criteria. Collection method: clinical testing. Allele origin: germline.
Comment: Variant identified in a genome or exome case(s) and assessed due to predicted null impact of the variant or pathogenic assertions in the literature or databases. Disclaimer: This variant has not undergone full assessment. The following are preliminary notes: Silent, not in splice consensus

Genetic Services Laboratory, University of Chicago
Classification: Benign. Last evaluated: 2022-09-13. Review status: no assertion criteria provided. Collection method: clinical testing. Allele origin: germline. Affected: no. Not counted in ClinVar's aggregate classification.

PreventionGenetics, part of Exact Sciences
Classification: Benign for CSPP1-related condition. Last evaluated: 2019-08-01. Review status: no assertion criteria provided. Collection method: clinical testing. Allele origin: germline. Not counted in ClinVar's aggregate classification.
Comment: This variant is classified as benign based on ACMG/AMP sequence variant interpretation guidelines (Richards et al. 2015 PMID: 25741868, with internal and published modifications).

NM_001382391.1(CSPP1):c.-121A>G

Gene: CSPP1 (centrosome and spindle pole associated protein 1; plus strand). Cytogenetic location: 8q13.1.
Variant type: single nucleotide variant.
Coding change: c.-121A>G on transcript NM_001382391.1 (MANE Select); 121 bases upstream of the start codon, A replaced by G.
Molecular consequence: 5 prime UTR variant. On other transcripts: synonymous variant (3).
Genome position (GRCh38, 1-based): chr8:67,064,428, A>G. VCF-style: chr8-67064428-A-G. GRCh37 (hg19) VCF-style: chr8-67976663-A-G.
Other names: c.-121A>G (NM_001363131.2, NM_001363132.2, NM_001363133.2); c.30A>G, p.Val10= (NM_001364869.1, NM_001364870.1, NM_024790.7).
Identifiers: ClinVar variation 379431 (VCV000379431.52), dbSNP rs181470846, ClinGen allele CA4770045.